The following is an entry in ClinVar:

NM_021008.4(DEAF1):c.155C>G (p.Ala52Gly)

Gene: DEAF1 (DEAF1 transcription factor; minus strand). Cytogenetic location: 11p15.5.
Variant type: single nucleotide variant.
Coding change: c.155C>G on transcript NM_021008.4 (MANE Select); coding-DNA position 155, C replaced by G.
Protein change: p.Ala52Gly; replaces alanine 52 with glycine.
Molecular consequence: missense variant. On other transcripts: intron variant (1).
Genome position (GRCh38, 1-based): chr11:694,893, G>C on the plus strand (C>G on the coding strand, the complement: DEAF1 is on the minus strand). VCF-style: chr11-694893-G-C. GRCh37 (hg19) VCF-style: chr11-694893-G-C.
Other names: c.155C>G, p.Ala52Gly (NM_001293634.2); c.-437-3295C>G (NM_001367390.1); short protein forms A52G.
Identifiers: ClinVar variation 2919066 (VCV002919066.3), dbSNP rs1197238509, ClinGen allele CA378939691.
Genomic context (GRCh38, chr11:694,893, plus strand): 5'-TCCGCCGCCATCACCGCCACTGCCGTGACCCGCGGCGTCTCCCGCTCCGCCTCCGAGTCT[G>C]CGTCCTCCTCCGAGTCCTCGTCCCTGCTCAGCACCGGCTCCTCCGCCTCGCCTCCTGCCG-3'
Protein context (NP_066288.2, residues 42-62): LSRDEDSEED[Ala52Gly]DSEAERETPR

ClinVar aggregate classification (germline): Uncertain significance (1 of 4 stars; one submission).

Submission:

Labcorp Genetics (formerly Invitae), Labcorp
Classification: Uncertain significance. Last evaluated: 2022-10-29. Review status: criteria provided, single submitter. Criteria: Invitae Variant Classification Sherloc (09022015). Collection method: clinical testing. Allele origin: germline.
Comment: This sequence change replaces alanine, which is neutral and non-polar, with glycine, which is neutral and non-polar, at codon 52 of the DEAF1 protein (p.Ala52Gly). This variant is not present in population databases (gnomAD no frequency). This variant has not been reported in the literature in individuals affected with DEAF1-related conditions. Algorithms developed to predict the effect of missense changes on protein structure and function output the following: SIFT: "Tolerated"; PolyPhen-2: "Benign"; Align-GVGD: "Class C0". The glycine amino acid residue is found in multiple mammalian species, which suggests that this missense change does not adversely affect protein function. In summary, the available evidence is currently insufficient to determine the role of this variant in disease. Therefore, it has been classified as a Variant of Uncertain Significance.